The following is an entry in ClinVar:

ClinVar aggregate classification (germline): Uncertain significance. Review status: criteria provided, multiple submitters, no conflicts (2 of 4 stars). 2 submissions from 2 submitters: Uncertain significance (2). Last evaluated 2025-03-06.

Allele frequency attached by ClinVar (database versions not stated): gnomAD exomes below 0.00001; ExAC 0.00003.
gnomAD v4.1: 4 of 1,583,544 alleles (0.00025%); highest among the groups gnomAD compares: Middle Eastern, 0.018%; no homozygotes.

Submissions (2):

Dasa
Classification: Uncertain significance. Last evaluated: 2025-03-06. Review status: criteria provided, single submitter. Criteria: DASA Assertion Criteria. Collection method: clinical testing. Allele origin: germline.
Comment: NM_003200.5(TCF3):c.955+6G>A is a splice-region variant. This variant is rare in population databases. Computational prediction algorithms are consistent with a benign effect. The currently available literature and clinical evidence are not sufficient to establish a definitive association between this variant and the reported condition. Therefore, this variant is classified as a variant of uncertain significance.

Labcorp Genetics (formerly Invitae), Labcorp
Classification: Uncertain significance. Last evaluated: 2023-02-06. Review status: criteria provided, single submitter. Criteria: Invitae Variant Classification Sherloc (09022015). Collection method: clinical testing. Allele origin: germline.
Comment: The frequency data for this variant in the population databases is considered unreliable, as metrics indicate poor data quality at this position in the gnomAD database. This sequence change falls in intron 11 of the TCF3 gene. It does not directly change the encoded amino acid sequence of the TCF3 protein. It affects a nucleotide within the consensus splice site. This variant has not been reported in the literature in individuals affected with TCF3-related conditions. In summary, the available evidence is currently insufficient to determine the role of this variant in disease. Therefore, it has been classified as a Variant of Uncertain Significance. Variants that disrupt the consensus splice site are a relatively common cause of aberrant splicing (PMID: 17576681, 9536098). Algorithms developed to predict the effect of sequence changes on RNA splicing suggest that this variant is not likely to affect RNA splicing.

Literature cited by the submitters: PubMed 17576681 (cited by Labcorp Genetics (formerly Invitae), Labcorp); PubMed 9536098 (cited by Labcorp Genetics (formerly Invitae), Labcorp).

NM_003200.5(TCF3):c.955+6G>A

Gene: TCF3 (transcription factor 3; minus strand). Cytogenetic location: 19p13.3.
Variant type: single nucleotide variant.
Coding change: c.955+6G>A on transcript NM_003200.5 (MANE Select); 6 bases into the intron after coding-DNA position 955, G replaced by A.
Molecular consequence: intron variant.
Genome position (GRCh38, 1-based): chr19:1,621,832, C>T on the plus strand (G>A on the coding strand, the complement: TCF3 is on the minus strand). VCF-style: chr19-1621832-C-T. GRCh37 (hg19) VCF-style: chr19-1621831-C-T.
Other names: c.955+6G>A (NM_001351778.2, NM_001136139.4, NM_001351779.2).
Identifiers: ClinVar variation 1945599 (VCV001945599.7), dbSNP rs762919209, ClinGen allele CA9050150.